The following is an entry in ClinVar:

ClinVar aggregate classification (germline): Uncertain significance (1 of 4 stars; one submission).

Conditions:
Intellectual disability, X-linked 102 (MRXSSB). Also called: Intellectual developmental disorder, X-linked syndromic, Snijders Blok type. Identifiers: Orphanet 457260, MedGen C5393299, MONDO:0010497, OMIM 300958.

Submission:

3billion
Classification: Uncertain significance for Intellectual disability, X-linked 102. Last evaluated: 2024-07-24. Review status: criteria provided, single submitter. Criteria: ACMG Guidelines, 2015. Collection method: clinical testing. Allele origin: germline. Affected: yes.
Comment: The variant is not observed in the gnomAD v4.0.0 dataset. Predicted Consequence/Location: Intron variant In silico tools predict the variant to alter splicing and produce an abnormal transcript [SpliceAI: 0.34 (>=0.2, moderate evidence for spliceogenicity)]. Therefore, this variant is classified as VUS according to the recommendation of ACMG/AMP guideline.

NM_001356.5(DDX3X):c.1498-21C>G

Gene: DDX3X (DEAD-box helicase 3 X-linked; plus strand). Cytogenetic location: Xp11.4.
Variant type: single nucleotide variant.
Coding change: c.1498-21C>G on transcript NM_001356.5 (MANE Select); 21 bases into the intron before coding-DNA position 1498, C replaced by G.
Molecular consequence: intron variant.
Genome position (GRCh38, 1-based): chrX:41,346,484, C>G. VCF-style: chrX-41346484-C-G. GRCh37 (hg19) VCF-style: chrX-41205737-C-G.
Other names: c.1498-21C>G (NM_001193416.3); c.1450-21C>G (NM_001193417.3); c.940-21C>G (NM_001363819.1).
Identifiers: ClinVar variation 4072266 (VCV004072266.1).